The following is an entry in ClinVar:

ClinVar aggregate classification (germline): Likely benign (1 of 4 stars; one submission).

Conditions:
Breast-ovarian cancer, familial, susceptibility to, 1 (BROVCA1). Also called: BRCA1 Hereditary Breast and Ovarian Cancer; OVARIAN CANCER, SUSCEPTIBILITY TO. Identifiers: Orphanet 145, MedGen C2676676, MONDO:0011450, OMIM 604370. Disease mechanism: loss of function.

Submission:

All of Us Research Program, National Institutes of Health
Classification: Likely benign for Breast-ovarian cancer, familial, susceptibility to, 1. Last evaluated: 2023-08-15. Review status: criteria provided, single submitter. Criteria: ACMG Guidelines, 2015. Collection method: clinical testing. Allele origin: germline. Inheritance: Autosomal dominant inheritance. Observed: 1 variant allele, 1 heterozygote.
Comment: This study involves interpretation of variants in research participants for the purpose of population health screening. Participant phenotype was not available at the time of variant classification. Additional details can be found in publication PMID: 35346344, PMCID: PMC8962531

NM_007294.4(BRCA1):c.3837A>C (p.Ala1279=)

Genes: BRCA1 (BRCA1 DNA repair associated; minus strand), LOC126862571 (BRD4-independent group 4 enhancer GRCh37_chr17:41243136-41244335; plus strand). Cytogenetic location: 17q21.31.
Variant type: single nucleotide variant.
Coding change: c.3837A>C on transcript NM_007294.4 (MANE Select); coding-DNA position 3837, A replaced by C.
Protein change: p.Ala1279=; no amino-acid change (alanine 1279 retained).
Molecular consequence: synonymous variant. On other transcripts: intron variant (135).
Genome position (GRCh38, 1-based): chr17:43,091,694, T>G on the plus strand (A>C on the coding strand, the complement: BRCA1 is on the minus strand). VCF-style: chr17-43091694-T-G. GRCh37 (hg19) VCF-style: chr17-41243711-T-G.
Other names: c.3624A>C, p.Ala1208= (NM_001407571.1, NM_001407853.1, NM_001407894.1 and 9 more transcripts); c.3837A>C, p.Ala1279= (NM_001407581.1, NM_001407582.1, NM_001407583.1 and 30 more transcripts); c.3834A>C, p.Ala1278= (NM_001407587.1, NM_001407590.1, NM_001407591.1 and 22 more transcripts); c.3828A>C, p.Ala1276= (NM_001407646.1, NM_001407647.1); c.3714A>C, p.Ala1238= (NM_001407648.1, NM_001407664.1, NM_001407665.1 and 19 more transcripts); c.3711A>C, p.Ala1237= (NM_001407649.1, NM_001407670.1, NM_001407671.1 and 11 more transcripts); c.3759A>C, p.Ala1253= (NM_001407653.1, NM_001407654.1, NM_001407655.1 and 4 more transcripts); c.3756A>C, p.Ala1252= (NM_001407659.1, NM_001407660.1, NM_001407661.1 and 1 more transcripts); and 41 more.
Identifiers: ClinVar variation 3072714 (VCV003072714.1), dbSNP rs2154282251, ClinGen allele CA500232166.